The following is an entry in ClinVar:

ClinVar aggregate classification (germline): Uncertain significance (1 of 4 stars; one submission).

Conditions:
Hypertrophic cardiomyopathy. Also called: HYPERTROPHIC MYOCARDIOPATHY. Identifiers: Orphanet 217569, MedGen C0007194, MeSH D002312, MONDO:0005045, HP:0001639.

Allele frequency attached by ClinVar (database versions not stated): gnomAD exomes 0.00001.
gnomAD v4.1: 3 of 1,603,762 alleles (0.00019%); highest among the groups gnomAD compares: Admixed American, 0.0017%; no homozygotes.

Submission:

Labcorp Genetics (formerly Invitae), Labcorp
Classification: Uncertain significance for Hypertrophic cardiomyopathy. Last evaluated: 2024-05-19. Review status: criteria provided, single submitter. Criteria: Invitae Variant Classification Sherloc (09022015). Collection method: clinical testing. Allele origin: germline.
Comment: This sequence change replaces serine, which is neutral and polar, with proline, which is neutral and non-polar, at codon 1419 of the MYOM1 protein (p.Ser1419Pro). This variant is present in population databases (no rsID available, gnomAD 0.003%). This variant has not been reported in the literature in individuals affected with MYOM1-related conditions. ClinVar contains an entry for this variant (Variation ID: 2152608). Advanced modeling of protein sequence and biophysical properties (such as structural, functional, and spatial information, amino acid conservation, physicochemical variation, residue mobility, and thermodynamic stability) has been performed at Invitae for this missense variant, however the output from this modeling did not meet the statistical confidence thresholds required to predict the impact of this variant on MYOM1 protein function. In summary, the available evidence is currently insufficient to determine the role of this variant in disease. Therefore, it has been classified as a Variant of Uncertain Significance.

NM_003803.4(MYOM1):c.4255T>C (p.Ser1419Pro)

Gene: MYOM1 (myomesin 1; minus strand). Cytogenetic location: 18p11.31.
Variant type: single nucleotide variant.
Coding change: c.4255T>C on transcript NM_003803.4 (MANE Select); coding-DNA position 4255, T replaced by C.
Protein change: p.Ser1419Pro; replaces serine 1419 with proline.
Molecular consequence: missense variant.
Genome position (GRCh38, 1-based): chr18:3,085,129, A>G on the plus strand (T>C on the coding strand, the complement: MYOM1 is on the minus strand). VCF-style: chr18-3085129-A-G. GRCh37 (hg19) VCF-style: chr18-3085127-A-G.
Other names: c.3967T>C, p.Ser1323Pro (NM_019856.2); short protein forms S1323P, S1419P.
Identifiers: ClinVar variation 2152608 (VCV002152608.4), dbSNP rs1292648039, ClinGen allele CA401710685.
Genomic context (GRCh38, chr18:3,085,129, plus strand): 5'-TCTTATCTTTTCCTCGGTCATCTTTCAGGATAACTTCATAAATCCCAGCATCTTTCTTGG[A>G]AAACTAAGGGGGAATAGATATACCACATTGCACCTTTCGTAGCCCCAGGGCACGGTATCT-3'
Protein context (NP_003794.3, residues 1409-1429): GICTLLITEF[Ser1419Pro]KKDAGIYEVI